The following is an entry in ClinVar:

NM_001142800.2(EYS):c.4957dup (p.Ser1653fs)

Gene: EYS (EGF-like photoreceptor maintenance factor; minus strand). Cytogenetic location: 6q12.
Variant type: Duplication.
Coding change: c.4957dup on transcript NM_001142800.2 (MANE Select); coding-DNA position 4957, one base duplicated (A; older notation c.4957dupA).
Protein change: p.Ser1653fs; shifts the reading frame from serine 1653.
Molecular consequence: frameshift variant.
Genome position (GRCh38, 1-based): chr6:64,590,910, T duplicated on the plus strand (A on the coding strand, the reverse complement: EYS is on the minus strand); the first of 2 consecutive T bases (chr6:64,590,910-64,590,911); duplicating either gives the same sequence. VCF-style (leftmost placement, unchanged base first): chr6-64590909-C-CT. GRCh37 (hg19) VCF-style: chr6-65300802-C-CT.
Other names: c.4957dup, p.Ser1653fs (NM_001292009.2); c.4957dupA (NM_001142800.2); short protein forms S1653fs.
Identifiers: ClinVar variation 143105 (VCV000143105.30), dbSNP rs527236065, ClinGen allele CA270055.

ClinVar aggregate classification (germline): Pathogenic. Review status: criteria provided, multiple submitters, no conflicts (2 of 4 stars). 15 submissions from 15 submitters: Pathogenic (13). 2 of the submissions do not count toward it. Last evaluated 2026-01-19.

Conditions:
EYS-related disorder. Also called: EYS-related condition.
Retinal dystrophy. Also called: Inherited retinal dystrophy. Identifiers: Orphanet 71862, MedGen C0854723, MeSH D058499, MONDO:0019118, HP:0000556.
Retinitis pigmentosa (RP). Identifiers: Orphanet 791, MedGen C0035334, MeSH D012174, MONDO:0019200, OMIM 268000. Inheritance: Autosomal dominant, autosomal recessive and X linked inheritance.
Retinitis pigmentosa 25 (RP25). Identifiers: Orphanet 791, MedGen C1864446, MONDO:0011272, OMIM 602772.

Submissions (15):

3billion
Classification: Pathogenic for Retinitis pigmentosa 25. Last evaluated: 2026-01-19. Review status: criteria provided, single submitter. Criteria: ACMG Guidelines, 2015. Collection method: clinical testing. Allele origin: germline. Affected: yes.
Comment: The variant is observed at an extremely low frequency in the gnomAD v4.1.0 dataset (total allele frequency: 0.005%). Predicted Consequence/Location: Frameshift: predicted to result in a loss or disruption of normal protein function through nonsense-mediated decay (NMD) or protein truncation. Multiple pathogenic variants are reported downstream of the variant. The variant has been reported to be in trans with a pathogenic variant as either compound heterozygous or homozygous in at least 2 similarly affected unrelated individuals (PMID: 22363543). The variant has been reported to co-segregate with the disease in at least one similarly affected relative/individual in the same family or similarly affected unrelated families (PMID: 22363543). The variant has been reported at least twice as pathogenic with clinical assertions and evidence for the classification (ClinVar ID: VCV000143105 /PMID: 22363543 /3billion dataset). Therefore, this variant is classified as Pathogenic according to the recommendation of ACMG/AMP guideline.

Ophthalmology, Kobe City Eye Hospital
Classification: Pathogenic for Retinitis pigmentosa 25. Last evaluated: 2025-11-28. Review status: criteria provided, single submitter. Criteria: Fujinami et al. (Jpn J Ophthalmol. 2024). Collection method: research. Allele origin: germline. Affected: yes. Observed: 25 variant alleles.
Comment: This variant was classified according to the ACMG/AMP guidelines. PVS1_VeryStrong: This frameshift variant is predicted to result in loss of normal protein function through nonsense-mediated decay. Loss of function is a well-established disease mechanism for EYS-associated retinitis pigmentosa. PMIDs: 18836446, 20333770. PM2_Moderate: This variant is absent or extremely rare in large population databases such as gnomAD, supporting rarity consistent with a recessive disorder. PP5_NoInfluence: A reputable source has reported this variant as pathogenic; however, the underlying evidence is not independently available for review. According to ACMG/AMP, PP5 does not contribute to the classification and is noted here for completeness only. Based on PVS1_VeryStrong, PM2_Moderate, and PM3_VeryStrong, this variant is classified as pathogenic.

PreventionGenetics, part of Exact Sciences
Classification: Pathogenic for EYS-related condition. Last evaluated: 2025-09-03. Review status: criteria provided, single submitter. Criteria: ACMG Guidelines, 2015. Collection method: clinical testing. Allele origin: germline.
Comment: The EYS c.4957dupA variant is predicted to result in a frameshift and premature protein termination (p.Ser1653Lysfs*2). This variant has been reported many times in individuals with autosomal recessive retinitis pigmentosa (see for examples Hosono et al. 2012. PubMed ID: 22363543; Gu et al. 2016. PubMed ID: 27375351; Iwanami et al. 2019. PubMed ID: 31814702). This variant is reported in 0.0092% of alleles in individuals of East Asian descent in gnomAD. Frameshift variants in EYS are expected to be pathogenic. This variant is interpreted as pathogenic.

GeneDx
Classification: Pathogenic. Last evaluated: 2025-08-11. Review status: criteria provided, single submitter. Criteria: GeneDx Variant Classification Process June 2021. Collection method: clinical testing. Allele origin: germline. Affected: yes.
Comment: Frameshift variant predicted to result in protein truncation or nonsense mediated decay in a gene for which loss of function is a known mechanism of disease; Not observed at significant frequency in large population cohorts (gnomAD); This variant is associated with the following publications: (PMID: 33629268, 33514863, 30718709, 35109811, 28763560, 24652164, 27658286, 23421333, 26155838, 27375351, 29785639, 22302105, 30359287, 31054281, 31814702, 31964843, 31213501, 36729443, 36819107, 36284460, 34906470, 33946315, 33691693, 32218477, 34721897, 22363543)

Natera, Inc.
Classification: Pathogenic for Retinitis pigmentosa type 25. Last evaluated: 2025-07-07. Review status: criteria provided, single submitter. Criteria: Natera Variant Classification Schema (03/2026). Collection method: clinical testing. Allele origin: germline.
Comment: The c.4957dupA variant in EYS is a frameshift variant predicted to shift the reading frame beginning at codon 1653 and leads to a stop codon 2 codons downstream. This variant is expected to result in nonsense mediated decay, truncation, or a dysfunctional protein product. This variant is rare in the general population with a frequency below the threshold expected for the associated phenotype(s). This variant has been observed in one or more individuals affected with the associated recessive disease, as either homozygous or compound heterozygous with a second variant (PMID: 33809962). Given the available evidence, this variant is classified as Pathogenic.

Labcorp Genetics (formerly Invitae), Labcorp
Classification: Pathogenic. Last evaluated: 2025-03-17. Review status: criteria provided, single submitter. Criteria: Invitae Variant Classification Sherloc (09022015). Collection method: clinical testing. Allele origin: germline.
Comment: This sequence change creates a premature translational stop signal (p.Ser1653Lysfs*2) in the EYS gene. It is expected to result in an absent or disrupted protein product. Loss-of-function variants in EYS are known to be pathogenic (PMID: 18836446, 20333770). This variant is present in population databases (rs527236065, gnomAD 0.01%). This premature translational stop signal has been observed in individual(s) with retinitis pigmentosa (PMID: 22363543, 26155838). ClinVar contains an entry for this variant (Variation ID: 143105). For these reasons, this variant has been classified as Pathogenic.

Women's Health and Genetics/Laboratory Corporation of America, LabCorp
Classification: Pathogenic for Retinitis pigmentosa. Last evaluated: 2025-02-14. Review status: criteria provided, single submitter. Criteria: LabCorp Variant Classification Summary - May 2015. Collection method: clinical testing. Allele origin: germline.
Comment: Variant summary: EYS c.4957dupA (p.Ser1653LysfsX2) results in a premature termination codon, predicted to cause a truncation of the encoded protein or absence of the protein due to nonsense mediated decay, which are commonly known mechanisms for disease. The variant allele was found at a frequency of 6.6e-06 in 151914 control chromosomes. c.4957dupA has been reported in the literature as a founder mutation and has been detected in multiple homozygous and compound heterozygous individuals affected with Retinitis Pigmentosa (e.g. Suga_2022). These data indicate that the variant is very likely to be associated with disease. The following publication has been ascertained in the context of this evaluation (PMID: 36284460). ClinVar contains an entry for this variant (Variation ID: 143105). Based on the evidence outlined above, the variant was classified as pathogenic.

Dasa
Classification: Pathogenic. Last evaluated: 2024-07-17. Review status: criteria provided, single submitter. Criteria: DASA Assertion Criteria. Collection method: clinical testing. Allele origin: germline.
Comment: NM_001142800.2(EYS):c.4957dup (p.Ser1653Lysfs*2) introduces a premature termination codon predicted to result in loss of normal protein function. Loss-of-function is an established mechanism of disease for this gene. This variant has been recurrently observed in individuals with related phenotype (PMID: 22363543; PMID: 26155838). Multiple computational predictions support a deleterious effect on the gene or gene product. The variant is present at low frequency in population datasets. Based on the available data, this variant is classified as pathogenic.

Baylor Genetics
Classification: Pathogenic for Retinitis pigmentosa 25. Last evaluated: 2024-03-14. Review status: criteria provided, single submitter. Criteria: ACMG Guidelines, 2015. Collection method: clinical testing. Allele origin: unknown.

Dept Of Ophthalmology, Nagoya University
Classification: Pathogenic for Retinal dystrophy. Last evaluated: 2023-10-01. Review status: criteria provided, single submitter. Criteria: Submitter's publication. Collection method: research. Allele origin: germline. Affected: yes.

Blueprint Genetics
Classification: Pathogenic for EYS-related disorders. Last evaluated: 2023-08-02. Review status: criteria provided, single submitter. Criteria: ACMG Guidelines, 2015. Collection method: clinical testing. Allele origin: germline. Affected: yes. Observed: 5 variant alleles.

Victorian Clinical Genetics Services, Murdoch Childrens Research Institute
Classification: Pathogenic for Retinitis pigmentosa 25. Last evaluated: 2021-05-06. Review status: criteria provided, single submitter. Criteria: ACMG Guidelines, 2015. Collection method: clinical testing. Allele origin: germline. Inheritance: Autosomal recessive inheritance.
Comment: Based on the classification scheme VCGS_Germline_v1.3.4, this variant is classified as Pathogenic. Following criteria are met: 0102 - Loss of function is a known mechanism of disease in this gene and is associated with retinitis pigmentosa 25 (MIM#602772). (I) 0106 - This gene is associated with autosomal recessive disease. (I) 0115 - Variants in this gene are known to have variable expressivity (PMID: 29159838). (I) 0201 - Variant is predicted to cause nonsense-mediated decay (NMD) and loss of protein (premature termination codon is located at least 54 nucleotides upstream of the final exon-exon junction). (SP) 0251 - This variant is heterozygous. (I) 0304 - Variant is present in gnomAD <0.01 for a recessive condition (v3: 3 heterozygotes, 0 homozygotes). (SP) 0701 - Other variants predicted to result in NMD comparable to the one identified in this case have very strong previous evidence for pathogenicity (ClinVar, DECIPHER). (SP) 0801 - This variant has strong previous evidence of pathogenicity in multiple unrelated individuals with retinitis pigmentosa (ClinVar, PMID: 22363543). (SP) 1208 - Inheritance information for this variant is not currently available in this individual. (I) Legend: (SP) - Supporting pathogenic, (I) - Information, (SB) - Supporting benign

Ocular Genomics Institute, Massachusetts Eye and Ear
Classification: Pathogenic for Retinitis pigmentosa 25. Last evaluated: 2021-04-08. Review status: criteria provided, single submitter. Criteria: ACMG Guidelines, 2015. Collection method: research. Allele origin: germline. Affected: yes.
Comment: Through a review of available evidence we were able to apply the following criteria: PVS1, PM2, PS1, PM3, PP1. Based on this evidence we have classified this variant as Pathogenic.

Department of Clinical Genetics, Copenhagen University Hospital, Rigshospitalet
Classification: Likely pathogenic for Retinitis pigmentosa. Last evaluated: 2018-04-01. Review status: no assertion criteria provided. Collection method: research. Allele origin: unknown. Affected: yes. Study: VeluxRD. Not counted in ClinVar's aggregate classification.

Department of Ophthalmology and Visual Sciences Kyoto University
Classification: Pathogenic for Retinitis pigmentosa. Review status: no assertion criteria provided. Collection method: not provided. Allele origin: unknown. Not counted in ClinVar's aggregate classification.
ClinVar note: Converted during submission from pathogenic to Pathogenic.

Literature cited by the submitters: PubMed 22363543 (cited by 5 submitters); 18836446, 20333770 (cited by Ophthalmology, Kobe City Eye Hospital); PubMed 33809962 (cited by Natera, Inc.); PubMed 18836446 (cited by Labcorp Genetics (formerly Invitae), Labcorp); PubMed 20333770 (cited by Labcorp Genetics (formerly Invitae), Labcorp); PubMed 26155838 (cited by 3 submitters); PubMed 36284460 (cited by Women's Health and Genetics/Laboratory Corporation of America, LabCorp); PubMed 29159838 (cited by Victorian Clinical Genetics Services, Murdoch Childrens Research Institute); PubMed 30718709 (cited by Ocular Genomics Institute, Massachusetts Eye and Ear and Department of Clinical Genetics, Copenhagen University Hospital, Rigshospitalet); PubMed 22302105 (cited by Ocular Genomics Institute, Massachusetts Eye and Ear); PubMed 23421333 (cited by Ocular Genomics Institute, Massachusetts Eye and Ear); PubMed 24652164 (cited by Ocular Genomics Institute, Massachusetts Eye and Ear); PubMed 27375351 (cited by Ocular Genomics Institute, Massachusetts Eye and Ear).